The following is an entry in ClinVar:

NM_016222.4(DDX41):c.481G>A (p.Glu161Lys)

Gene: DDX41 (DEAD-box helicase 41; minus strand). Cytogenetic location: 5q35.3.
Variant type: single nucleotide variant.
Coding change: c.481G>A on transcript NM_016222.4 (MANE Select); coding-DNA position 481, G replaced by A.
Protein change: p.Glu161Lys; replaces glutamic acid 161 with lysine.
Molecular consequence: missense variant.
Genome position (GRCh38, 1-based): chr5:177,515,775, C>T on the plus strand (G>A on the coding strand, the complement: DDX41 is on the minus strand). VCF-style: chr5-177515775-C-T. GRCh37 (hg19) VCF-style: chr5-176942776-C-T.
Other names: c.103G>A, p.Glu35Lys (NM_001321732.2, NM_001321830.2); short protein forms E161K, E35K.
Identifiers: ClinVar variation 4238804 (VCV004238804.1).
Genomic context (GRCh38, chr5:177,515,775, plus strand): 5'-TGATGGGTGGTGGGATACCGTCTCCCTCCACCAGGATGTGGTATTTCTTCCGCACGCGCT[C>T]ATGTCGCTCTTCAGACATGCTCAGAACATAACGGGGTGGAGTCCAGCTGTGGATGGGTAA-3'
Protein context (NP_057306.2, residues 151-171): YVLSMSEERH[Glu161Lys]RVRKKYHILV

ClinVar aggregate classification (germline): Uncertain significance (1 of 4 stars; one submission).

Conditions:
Inborn genetic diseases. Identifiers: MedGen C0950123, MeSH D030342.

Submission:

Ambry Genetics
Classification: Uncertain significance for Inborn genetic diseases. Last evaluated: 2025-08-20. Review status: criteria provided, single submitter. Criteria: Ambry Variant Classification Scheme 2023. Collection method: clinical testing. Allele origin: germline.
Comment: The p.E161K variant (also known as c.481G>A), located in coding exon 6 of the DDX41 gene, results from a G to A substitution at nucleotide position 481. The glutamic acid at codon 161 is replaced by lysine, an amino acid with similar properties. This amino acid position is conserved. In addition, this alteration is predicted to be tolerated by in silico analysis. Based on the available evidence, the clinical significance of this variant remains unclear.